The following is an entry in ClinVar:

NM_002156.5(HSPD1):c.526G>T (p.Ala176Ser)

Gene: HSPD1 (heat shock protein family D (Hsp60) member 1; minus strand). Cytogenetic location: 2q33.1.
Variant type: single nucleotide variant.
Coding change: c.526G>T on transcript NM_002156.5 (MANE Select); coding-DNA position 526, G replaced by T.
Protein change: p.Ala176Ser; replaces alanine 176 with serine.
Molecular consequence: missense variant.
Genome position (GRCh38, 1-based): chr2:197,494,737, C>A on the plus strand (G>T on the coding strand, the complement: HSPD1 is on the minus strand). VCF-style: chr2-197494737-C-A. GRCh37 (hg19) VCF-style: chr2-198359461-C-A.
Other names: c.526G>T, p.Ala176Ser (NM_199440.2); short protein forms A176S.
Identifiers: ClinVar variation 959163 (VCV000959163.9), dbSNP rs2086137164, ClinGen allele CA350202689.

ClinVar aggregate classification (germline): Uncertain significance (1 of 4 stars; one submission).

Conditions:
Spastic paraplegia. Identifiers: MedGen C0037772, HP:0001258.

Submission:

Labcorp Genetics (formerly Invitae), Labcorp
Classification: Uncertain significance for Spastic paraplegia. Last evaluated: 2019-11-08. Review status: criteria provided, single submitter. Criteria: Invitae Variant Classification Sherloc (09022015). Collection method: clinical testing. Allele origin: germline.
Comment: In summary, the available evidence is currently insufficient to determine the role of this variant in disease. Therefore, it has been classified as a Variant of Uncertain Significance. Algorithms developed to predict the effect of missense changes on protein structure and function are either unavailable or do not agree on the potential impact of this missense change (SIFT: "Tolerated"; PolyPhen-2: "Possibly Damaging"; Align-GVGD: "Class C0"). This variant has not been reported in the literature in individuals with HSPD1-related conditions. This variant is not present in population databases (ExAC no frequency). This sequence change replaces alanine with serine at codon 176 of the HSPD1 protein (p.Ala176Ser). The alanine residue is moderately conserved and there is a moderate physicochemical difference between alanine and serine.